The following is an entry in ClinVar:

ClinVar aggregate classification (germline): Likely benign (1 of 4 stars; one submission).

gnomAD v4.1: 7 of 1,613,042 alleles (0.00043%); highest among the groups gnomAD compares: Non-Finnish European, 0.00059%; no homozygotes.

Submission:

CeGaT Center for Human Genetics Tuebingen
Classification: Likely benign. Last evaluated: 2025-11-01. Review status: criteria provided, single submitter. Criteria: CeGaT Center For Human Genetics Tuebingen Variant Classification Criteria Version 2. Collection method: clinical testing. Allele origin: germline. Affected: yes. Observed: 1 variant allele.
Comment: HNRNPR: BP4, BP7

NM_005826.5(HNRNPR):c.465G>A (p.Val155=)

Gene: HNRNPR (heterogeneous nuclear ribonucleoprotein R; minus strand). Cytogenetic location: 1p36.12.
Variant type: single nucleotide variant.
Coding change: c.465G>A on transcript NM_005826.5 (MANE Select); coding-DNA position 465, G replaced by A.
Protein change: p.Val155=; no amino-acid change (valine 155 retained).
Molecular consequence: synonymous variant. On other transcripts: intron variant (2).
Genome position (GRCh38, 1-based): chr1:23,333,551, C>T on the plus strand (G>A on the coding strand, the complement: HNRNPR is on the minus strand). VCF-style: chr1-23333551-C-T. GRCh37 (hg19) VCF-style: chr1-23660044-C-T.
Other names: c.162G>A, p.Val54= (NM_001102397.3, NM_001102399.3, NM_001297621.2); c.465G>A, p.Val155= (NM_001102398.3, NM_001437727.1, NM_001438564.1); c.81+4203G>A (NM_001297622.2); c.384+4203G>A (NM_001297620.2).
Identifiers: ClinVar variation 4534554 (VCV004534554.6).